The following is an entry in ClinVar:

ClinVar aggregate classification (germline): Uncertain significance. Review status: criteria provided, multiple submitters, no conflicts (2 of 4 stars). 2 submissions from 2 submitters: Uncertain significance (2). Last evaluated 2023-03-03.

Conditions:
Hereditary cancer-predisposing syndrome. Also called: Neoplastic Syndromes, Hereditary; Hereditary Cancer Syndrome; Tumor predisposition; Hereditary neoplastic syndrome. Identifiers: Orphanet 140162, MedGen C0027672, MeSH D009386, MONDO:0015356.

Submissions (2):

Ambry Genetics
Classification: Uncertain significance for Hereditary cancer-predisposing syndrome. Last evaluated: 2023-03-03. Review status: criteria provided, single submitter. Criteria: Ambry Variant Classification Scheme 2023. Collection method: clinical testing. Allele origin: germline.
Comment: The c.2277delA variant, located in coding exon 9 of the MET gene, results from a deletion of one nucleotide at nucleotide position 2277, causing a translational frameshift with a predicted alternate stop codon (p.E760Nfs*19). This alteration is expected to result in protein truncation or nonsense-mediated mRNA decay. However, loss of function of MET has not been established as a mechanism of disease. Since supporting evidence is limited at this time, the clinical significance of this alteration remains unclear.

GeneDx
Classification: Uncertain significance. Last evaluated: 2018-04-16. Review status: criteria provided, single submitter. Criteria: GeneDx Variant Classification (06012015). Collection method: clinical testing. Allele origin: germline. Affected: yes.
Comment: This deletion of one nucleotide in MET is denoted c.2277delA at the cDNA level and p.Glu760AsnfsX19 (E760NfsX19) at the protein level. The normal sequence, with the base that is deleted in brackets, is GGAA[delA]GAAC. The deletion causes a frameshift which changes a Glutamic Acid to an Asparagine at codon 760, and creates a premature stop codon at position 19 of the new reading frame. Although this variant is predicted to cause loss of normal protein function through either protein truncation or nonsense-mediated mRNA decay, the mechanism of disease with hereditary papillary renal carcinoma (HPRC) has been shown to be activating rather than loss of function variants in MET (Schmidt 2004). Based on currently available evidence, it is unclear whether this deletion is a pathogenic variant or a benign variant. We consider it to be a variant of uncertain significance.

NM_000245.4(MET):c.2265-42del

Gene: MET (MET proto-oncogene, receptor tyrosine kinase; plus strand). Cytogenetic location: 7q31.2.
Variant type: Deletion.
Coding change: c.2265-42del on transcript NM_000245.4 (MANE Select); 42 bases into the intron before coding-DNA position 2265, one base deleted (A; older notation c.2265-42delA).
Molecular consequence: intron variant. On other transcripts: frameshift variant (1).
Genome position (GRCh38, 1-based): chr7:116,759,349, A deleted; the last of 3 consecutive A bases (chr7:116,759,347-116,759,349); deleting any one gives the same sequence. VCF-style (leftmost placement, unchanged base first): chr7-116759346-GA-G. GRCh37 (hg19) VCF-style: chr7-116399400-GA-G.
Other names: c.2277del, p.Glu760fs (NM_001127500.3); c.975-42del (NM_001324402.2); c.2265-42del (NM_001324401.3); short protein forms E760fs.
Identifiers: ClinVar variation 545898 (VCV000545898.4), dbSNP rs1554395864, ClinGen allele CA658821504.
Genomic context (GRCh38, chr7:116,759,346, plus strand): 5'-CCTCTGACCTGTAATCAGTGCAGGTGATTAAATTGAATCCCTCTCTTACAGTACTTGGTG[GA>G]AAGAACCTCTCAACATTGTCAGTTTTCTATTTTGCTTTGCCAGTGGTGGGAGCACAATAA-3'